The following is an entry in ClinVar:

NM_001023570.4(IQCB1):c.1153G>C (p.Glu385Gln)

Gene: IQCB1 (IQ motif containing B1; minus strand). Cytogenetic location: 3q13.33.
Variant type: single nucleotide variant.
Coding change: c.1153G>C on transcript NM_001023570.4 (MANE Select); coding-DNA position 1153, G replaced by C.
Protein change: p.Glu385Gln; replaces glutamic acid 385 with glutamine.
Molecular consequence: missense variant. On other transcripts: non-coding transcript variant (1).
Genome position (GRCh38, 1-based): chr3:121,788,409, C>G on the plus strand (G>C on the coding strand, the complement: IQCB1 is on the minus strand). VCF-style: chr3-121788409-C-G. GRCh37 (hg19) VCF-style: chr3-121507256-C-G.
Other names: c.1153G>C (NM_001023570.3); c.754G>C, p.Glu252Gln (NM_001023571.4); c.1153G>C, p.Glu385Gln (NM_001319107.2); short protein forms E252Q, E385Q.
Identifiers: ClinVar variation 971577 (VCV000971577.10), dbSNP rs772153735, ClinGen allele CA2567178.

ClinVar aggregate classification (germline): Uncertain significance. Review status: criteria provided, multiple submitters, no conflicts (2 of 4 stars). 4 submissions from 4 submitters: Uncertain significance (4). Last evaluated 2026-05-29.

Conditions:
Nephronophthisis. Also called: Juvenile Nephronophthisis. Identifiers: Orphanet 655, MedGen C0687120, MONDO:0019005, HP:0000090.
Inborn genetic diseases. Identifiers: MedGen C0950123, MeSH D030342.
IQCB1-related disorder. Also called: IQCB1-related condition.
Senior-Loken syndrome 5 (SLSN5). Identifiers: Orphanet 3156, MedGen C1836517, MONDO:0012225, OMIM 609254.

Allele frequency attached by ClinVar (database versions not stated): gnomAD exomes 0.00001 and 0.00004; ExAC 0.00002; TOPMed 0.00010; gnomAD 0.00013 and 0.00015.
gnomAD v4.1: 44 of 1,613,680 alleles (0.0027%); highest among the groups gnomAD compares: Admixed American, 0.053%; no homozygotes.

Submissions (4):

PreventionGenetics, part of Exact Sciences
Classification: Uncertain significance for IQCB1-related condition. Last evaluated: 2026-05-29. Review status: criteria provided, single submitter. Criteria: ACMG Guidelines, 2015. Collection method: clinical testing. Allele origin: germline.
Comment: The IQCB1 c.1153G>C variant is predicted to result in the amino acid substitution p.Glu385Gln. To our knowledge, this variant has not been reported in the literature. This variant is reported in 0.026% of alleles in individuals of Latino descent in gnomAD. At this time, the clinical significance of this variant is uncertain due to the absence of conclusive functional and genetic evidence.

Ambry Genetics
Classification: Uncertain significance for Inborn genetic diseases. Last evaluated: 2025-08-23. Review status: criteria provided, single submitter. Criteria: Ambry Variant Classification Scheme 2023. Collection method: clinical testing. Allele origin: germline.

Labcorp Genetics (formerly Invitae), Labcorp
Classification: Uncertain significance for Nephronophthisis. Last evaluated: 2024-12-02. Review status: criteria provided, single submitter. Criteria: Invitae Variant Classification Sherloc (09022015). Collection method: clinical testing. Allele origin: germline.
Comment: This sequence change replaces glutamic acid, which is acidic and polar, with glutamine, which is neutral and polar, at codon 385 of the IQCB1 protein (p.Glu385Gln). This variant is present in population databases (rs772153735, gnomAD 0.03%). This variant has not been reported in the literature in individuals affected with IQCB1-related conditions. ClinVar contains an entry for this variant (Variation ID: 971577). Invitae Evidence Modeling of protein sequence and biophysical properties (such as structural, functional, and spatial information, amino acid conservation, physicochemical variation, residue mobility, and thermodynamic stability) indicates that this missense variant is not expected to disrupt IQCB1 protein function with a negative predictive value of 80%. In summary, the available evidence is currently insufficient to determine the role of this variant in disease. Therefore, it has been classified as a Variant of Uncertain Significance.

Fulgent Genetics
Classification: Uncertain significance for Senior-Loken syndrome 5. Last evaluated: 2022-04-18. Review status: criteria provided, single submitter. Criteria: ACMG Guidelines, 2015. Collection method: clinical testing. Allele origin: unknown.